The following is an entry in ClinVar:

ClinVar aggregate classification (germline): Uncertain significance (1 of 4 stars; one submission).

Conditions:
Malignant hyperthermia, susceptibility to, 1 (MHS1). Also called: RYR1-Related Malignant Hyperthermia Susceptibility; Malignant hyperthermia suceptibility 1; Anesthesia related hyperthermia; Malignant hyperpyrexia; Fulminating hyperpyrexia; Pharmacogenic myopathy. Identifiers: Orphanet 423, MedGen C2930980, MONDO:0007783, OMIM 145600.

Submission:

Color Diagnostics, LLC DBA Color Health
Classification: Uncertain significance for Malignant hyperthermia, susceptibility to, 1. Last evaluated: 2025-07-25. Review status: criteria provided, single submitter. Criteria: ACMG Guidelines, 2015. Collection method: clinical testing. Allele origin: germline.
Comment: This missense variant replaces glutamine with histidine at codon 2245 of the RYR1 protein. Computational prediction is inconclusive regarding the impact of this variant on protein structure and function. To our knowledge, functional studies have not been reported for this variant. This variant has not been reported in individuals affected with RYR1-related disorders in the literature. This variant has not been identified in the general population by the Genome Aggregation Database (gnomAD). The available evidence is insufficient to determine the role of this variant in disease conclusively. Therefore, this variant is classified as a Variant of Uncertain Significance.

NM_000540.3(RYR1):c.6735G>C (p.Gln2245His)

Gene: RYR1 (ryanodine receptor 1; plus strand). Cytogenetic location: 19q13.2.
Variant type: single nucleotide variant.
Coding change: c.6735G>C on transcript NM_000540.3 (MANE Select); coding-DNA position 6735, G replaced by C.
Protein change: p.Gln2245His; replaces glutamine 2245 with histidine.
Molecular consequence: missense variant.
Genome position (GRCh38, 1-based): chr19:38,496,480, G>C. VCF-style: chr19-38496480-G-C. GRCh37 (hg19) VCF-style: chr19-38987120-G-C.
Other names: c.6735G>C, p.Gln2245His (NM_001042723.2); short protein forms Q2245H.
Identifiers: ClinVar variation 4757759 (VCV004757759.1).